The following is an entry in ClinVar:

ClinVar aggregate classification (germline): Likely pathogenic (1 of 4 stars; one submission).

Conditions:
Legius syndrome. Identifiers: Orphanet 137605, MedGen C1969623, MONDO:0012669, OMIM 611431. Disease mechanism: loss of function.

Submission:

Juno Genomics, Hangzhou Juno Genomics, Inc
Classification: Likely pathogenic for Legius syndrome. Review status: criteria provided, single submitter. Criteria: ACMG Guidelines, 2015. Collection method: clinical testing. Allele origin: germline.
Comment: Null variant in a gene where loss of function (LOF) is a known mechanism of disease.;Absent from controls (or at extremely low frequency if recessive) in Genome Aggregation Database.

NM_152594.3(SPRED1):c.176_177del (p.Phe59fs)

Gene: SPRED1 (sprouty related EVH1 domain containing 1; plus strand). Cytogenetic location: 15q14.
Variant type: Deletion.
Coding change: c.176_177del on transcript NM_152594.3 (MANE Select); coding-DNA positions 176 to 177, 2 bases deleted (TT; older notation c.176_177delTT).
Protein change: p.Phe59fs; shifts the reading frame from phenylalanine 59.
Molecular consequence: frameshift variant.
Genome position (GRCh38, 1-based): chr15:38,299,516-38,299,517, TT deleted; deleting any 2 consecutive bases within chr15:38,299,512-38,299,517 gives the same sequence; the c. name uses the placement nearest the transcript's 3' end. VCF-style (leftmost placement, unchanged base first): chr15-38299511-CTT-C. GRCh37 (hg19) VCF-style: chr15-38591712-CTT-C.
Other names: short protein forms F59fs.
Identifiers: ClinVar variation 5005390 (VCV005005390.2).